The following is an entry in ClinVar:

NM_020975.6(RET):c.1021C>G (p.Gln341Glu)

Gene: RET (ret proto-oncogene; plus strand). Cytogenetic location: 10q11.21.
Variant type: single nucleotide variant.
Coding change: c.1021C>G on transcript NM_020975.6 (MANE Select); coding-DNA position 1021, C replaced by G.
Protein change: p.Gln341Glu; replaces glutamine 341 with glutamic acid.
Molecular consequence: missense variant.
Genome position (GRCh38, 1-based): chr10:43,106,529, C>G. VCF-style: chr10-43106529-C-G. GRCh37 (hg19) VCF-style: chr10-43601977-C-G.
Other names: c.1021C>G, p.Gln341Glu (NM_000323.2, NM_001406743.1, NM_001406744.1 and 6 more transcripts); c.259C>G, p.Gln87Glu (NM_001355216.2); c.892C>G, p.Gln298Glu (NM_001406761.1, NM_001406762.1, NM_001406764.1 and 1 more transcripts); c.733C>G, p.Gln245Glu (NM_001406766.1, NM_001406767.1, NM_001406770.1); short protein forms Q341E, Q87E, Q245E, Q298E.
Identifiers: ClinVar variation 822026 (VCV000822026.14), dbSNP rs1588867362, ClinGen allele CA376546393.

ClinVar aggregate classification (germline): Uncertain significance. Review status: criteria provided, multiple submitters, no conflicts (2 of 4 stars). 2 submissions from 2 submitters: Uncertain significance (2). Last evaluated 2019-12-04.

Conditions:
Hereditary cancer-predisposing syndrome. Also called: Tumor predisposition; Hereditary Cancer Syndrome; Neoplastic Syndromes, Hereditary; Hereditary neoplastic syndrome. Identifiers: Orphanet 140162, MedGen C0027672, MeSH D009386, MONDO:0015356.
Multiple endocrine neoplasia, type 2 (MEN2). Identifiers: Orphanet 653, MedGen C4048306, MONDO:0019003. Disease mechanism: gain of function.

Submissions (2):

Labcorp Genetics (formerly Invitae), Labcorp
Classification: Uncertain significance for Multiple endocrine neoplasia, type 2. Last evaluated: 2019-12-04. Review status: criteria provided, single submitter. Criteria: Invitae Variant Classification Sherloc (09022015). Collection method: clinical testing. Allele origin: germline.
Comment: Algorithms developed to predict the effect of missense changes on protein structure and function (SIFT, PolyPhen-2, Align-GVGD) all suggest that this variant is likely to be tolerated, but these predictions have not been confirmed by published functional studies and their clinical significance is uncertain. In summary, the available evidence is currently insufficient to determine the role of this variant in disease. Therefore, it has been classified as a Variant of Uncertain Significance. This sequence change replaces glutamine with glutamic acid at codon 341 of the RET protein (p.Gln341Glu). The glutamine residue is moderately conserved and there is a small physicochemical difference between glutamine and glutamic acid. This variant is not present in population databases (ExAC no frequency). This variant has not been reported in the literature in individuals with RET-related conditions.

Ambry Genetics
Classification: Uncertain significance for Hereditary cancer-predisposing syndrome. Last evaluated: 2019-08-14. Review status: criteria provided, single submitter. Criteria: Ambry Variant Classification Scheme 2023. Collection method: clinical testing. Allele origin: germline.
Comment: The p.Q341E variant (also known as c.1021C>G), located in coding exon 5 of the RET gene, results from a C to G substitution at nucleotide position 1021. The glutamine at codon 341 is replaced by glutamic acid, an amino acid with highly similar properties. This amino acid position is not well conserved in available vertebrate species. In addition, this alteration is predicted to be tolerated by in silico analysis. Since supporting evidence is limited at this time, the clinical significance of this alteration remains unclear.